The following is an entry in ClinVar:

ClinVar aggregate classification (germline): Uncertain significance. Review status: criteria provided, single submitter (1 of 4 stars). 2 submissions from 1 submitter: Uncertain significance (1). 1 of the submissions does not count toward it. Last evaluated 2021-10-27.

Conditions:
Leber congenital amaurosis 4 (LCA4). Identifiers: MedGen C1858386, MONDO:0011458, OMIM 604393.

Submissions (2):

Labcorp Genetics (formerly Invitae), Labcorp
Classification: Uncertain significance. Last evaluated: 2021-10-27. Review status: criteria provided, single submitter. Criteria: Invitae Variant Classification Sherloc (09022015). Collection method: clinical testing. Allele origin: germline.
Comment: This variant results in a copy number gain of the genomic region encompassing exon(s) 3-20 of the PITPNM3 gene. This region includes the termination codon of the gene. This copy number gain extends beyond the assayed region for this gene and therefore may encompass additional genes. As the precise location of this event is unknown, it may be in tandem or it may be located elsewhere in the genome. This variant has not been reported in the literature in individuals affected with PITPNM3-related conditions. In summary, the available evidence is currently insufficient to determine the role of this variant in disease. Therefore, it has been classified as a Variant of Uncertain Significance.

Labcorp Genetics (formerly Invitae), Labcorp
Classification: Uncertain significance for Leber congenital amaurosis 4. Last evaluated: 2021-10-27. Review status: flagged submission. Criteria: Invitae Variant Classification Sherloc (09022015). Collection method: clinical testing. Allele origin: germline. Not counted in ClinVar's aggregate classification.
Comment: A copy number gain of the genomic region encompassing the full coding sequence of the AIPL1 gene has been identified. The boundaries of this event are unknown as they extend beyond the assayed region for this gene and therefore may encompass additional genes. As the precise location of this event is unknown, it may be in tandem or it may be located elsewhere in the genome. This variant has not been reported in the literature in individuals affected with AIPL1-related conditions. In summary, the available evidence is currently insufficient to determine the role of this variant in disease. Therefore, it has been classified as a Variant of Uncertain Significance.
ClinVar note: Reason: This record appears to be redundant with a more recent record from the same submitter.
ClinVar note: Notes: SCV003792950 appears to be redundant with SCV003795645.

NC_000017.10:g.(?_6328780)_(6428803_?)dup

Genes: PITPNM3 (PITPNM family member 3; minus strand), AIPL1 (AIP like 1 HSP90 co-chaperone; minus strand), PIMREG (PICALM interacting mitotic regulator; plus strand). Cytogenetic location: 17p13.2.
Variant type: Duplication.
Identifiers: ClinVar variation 2425945 (VCV002425945.3).